The following is an entry in ClinVar:

ClinVar aggregate classification (germline): Conflicting classifications of pathogenicity. Review status: criteria provided, conflicting classifications (1 of 4 stars). 2 submissions from 2 submitters: Likely pathogenic (1); Uncertain significance (1). Last evaluated 2017-09-01.

Conditions:
Intellectual developmental disorder, autosomal dominant 6, with or without seizures. Also called: Intellectual disability, autosomal dominant 6; GRIN2B-related developmental delay, intellectual disability and autism spectrum disorder. Identifiers: Orphanet 589547, MedGen C3151411, MONDO:0013509, OMIM 613970.

Submissions (2):

Baylor Genetics
Classification: Uncertain significance for Intellectual developmental disorder, autosomal dominant 6, with or without seizures. Last evaluated: 2017-09-01. Review status: criteria provided, single submitter. Criteria: ACMG Guidelines, 2015. Collection method: clinical testing. Allele origin: de novo. Inheritance: Autosomal dominant inheritance. Affected: yes.

Institute of Human Genetics, University of Leipzig Medical Center
Classification: Likely pathogenic for Intellectual developmental disorder, autosomal dominant 6, with or without seizures. Last evaluated: 2017-04-04. Review status: criteria provided, single submitter. Criteria: ACMG Guidelines, 2015. Collection method: clinical testing. Allele origin: de novo. Affected: yes.
Comment: This variant was identified as de novo (maternity and paternity confirmed).

Literature cited by the submitters: PubMed 25326635 (cited by Baylor Genetics); PubMed 28377535 (cited by Institute of Human Genetics, University of Leipzig Medical Center).

NM_000834.5(GRIN2B):c.2471T>G (p.Met824Arg)

Gene: GRIN2B (glutamate ionotropic receptor NMDA type subunit 2B; minus strand). Cytogenetic location: 12p13.1.
Variant type: single nucleotide variant.
Coding change: c.2471T>G on transcript NM_000834.5 (MANE Select); coding-DNA position 2471, T replaced by G.
Protein change: p.Met824Arg; replaces methionine 824 with arginine.
Molecular consequence: missense variant.
Genome position (GRCh38, 1-based): chr12:13,567,152, A>C on the plus strand (T>G on the coding strand, the complement: GRIN2B is on the minus strand). VCF-style: chr12-13567152-A-C. GRCh37 (hg19) VCF-style: chr12-13720086-A-C.
Other names: short protein forms M824R.
Identifiers: ClinVar variation 561027 (VCV000561027.4), dbSNP rs1565455878, ClinGen allele CA383996348.